The following is an entry in ClinVar:

ClinVar aggregate classification (germline): Uncertain significance (1 of 4 stars; one submission).

Allele frequency attached by ClinVar (database versions not stated): gnomAD exomes 0.00001; TOPMed 0.00001; ExAC 0.00003.

Submission:

Labcorp Genetics (formerly Invitae), Labcorp
Classification: Uncertain significance. Last evaluated: 2022-09-26. Review status: criteria provided, single submitter. Criteria: Invitae Variant Classification Sherloc (09022015). Collection method: clinical testing. Allele origin: germline.
Comment: This sequence change replaces aspartic acid, which is acidic and polar, with asparagine, which is neutral and polar, at codon 13 of the TCF3 protein (p.Asp13Asn). The frequency data for this variant in the population databases is considered unreliable, as metrics indicate poor data quality at this position in the gnomAD database. This variant has not been reported in the literature in individuals affected with TCF3-related conditions. ClinVar contains an entry for this variant (Variation ID: 1349206). Advanced modeling of protein sequence and biophysical properties (such as structural, functional, and spatial information, amino acid conservation, physicochemical variation, residue mobility, and thermodynamic stability) performed at Invitae indicates that this missense variant is expected to disrupt TCF3 protein function. In summary, the available evidence is currently insufficient to determine the role of this variant in disease. Therefore, it has been classified as a Variant of Uncertain Significance.

NM_003200.5(TCF3):c.37G>A (p.Asp13Asn)

Gene: TCF3 (transcription factor 3; minus strand). Cytogenetic location: 19p13.3.
Variant type: single nucleotide variant.
Coding change: c.37G>A on transcript NM_003200.5 (MANE Select); coding-DNA position 37, G replaced by A.
Protein change: p.Asp13Asn; replaces aspartic acid 13 with asparagine.
Molecular consequence: missense variant.
Genome position (GRCh38, 1-based): chr19:1,650,212, C>T on the plus strand (G>A on the coding strand, the complement: TCF3 is on the minus strand). VCF-style: chr19-1650212-C-T. GRCh37 (hg19) VCF-style: chr19-1650211-C-T.
Other names: c.37G>A, p.Asp13Asn (NM_001136139.4, NM_001351778.2, NM_001351779.2); short protein forms D13N.
Identifiers: ClinVar variation 1349206 (VCV001349206.8), dbSNP rs760341781, ClinGen allele CA9050612.